The following is an entry in ClinVar:

NM_004782.4(SNAP29):c.*2816A>G

Gene: SNAP29 (synaptosome associated protein 29; plus strand). Cytogenetic location: 22q11.21.
Variant type: single nucleotide variant.
Coding change: c.*2816A>G on transcript NM_004782.4 (MANE Select); 2816 bases downstream of the stop codon, A replaced by G.
Molecular consequence: 3 prime UTR variant.
Genome position (GRCh38, 1-based): chr22:20,890,652, A>G. VCF-style: chr22-20890652-A-G. GRCh37 (hg19) VCF-style: chr22-21244940-A-G.
Identifiers: ClinVar variation 340891 (VCV000340891.6), dbSNP rs165739, ClinGen allele CA10645160.
Genomic context (GRCh38, chr22:20,890,652, plus strand): 5'-CTAAAAACACACAAAAAATTAGCTGGGCGTGGTGGTGGGCGCCTGTAGTCCCAGCTACTC[A>G]GGAGGCTGAGGCAGGAGAATGGCATGAACCTGGGAGGCAGAGCTTGCAGTGAGCCGAGAC-3'

ClinVar aggregate classification (germline): Benign. Review status: criteria provided, multiple submitters, no conflicts (2 of 4 stars). 2 submissions from 2 submitters: Benign (2). Last evaluated 2018-01-13.

Conditions:
CEDNIK syndrome. Also called: CEREBRAL DYSGENESIS, NEUROPATHY, ICHTHYOSIS, AND PALMOPLANTAR KERATODERMA SYNDROME; Cerebral dysgenesis, neuropathy, ichthyosis, and palmoplantar keratoderma. Identifiers: Orphanet 66631, MedGen C1836033, MONDO:0012290, OMIM 609528.

Allele frequency attached by ClinVar (database versions not stated): gnomAD exomes 0.82166; 1000 Genomes Project 0.83207; 1000 Genomes Project 30x 0.83588; gnomAD 0.84087; TOPMed 0.85544.
gnomAD v4.1: 159,139 of 189,092 alleles (84%); highest among the groups gnomAD compares: African/African-American, 96%; 67,591 homozygotes.

Submissions (2):

Illumina Laboratory Services, Illumina
Classification: Benign for CEDNIK syndrome. Last evaluated: 2018-01-13. Review status: criteria provided, single submitter. Criteria: ICSL Variant Classification Criteria 13 December 2019. Collection method: clinical testing. Allele origin: germline.
Comment: This variant was observed in the ICSL laboratory as part of a predisposition screen in an ostensibly healthy population. It had not been previously curated by ICSL or reported in the Human Gene Mutation Database (HGMD: prior to June 1st, 2018), and was therefore a candidate for classification through an automated scoring system. Utilizing variant allele frequency, disease prevalence and penetrance estimates, and inheritance mode, an automated score was calculated to assess if this variant is too frequent to cause the disease. Based on the score and internal cut-off values, a variant classified as benign is not then subjected to further curation. The score for this variant resulted in a classification of benign for this disease.

Breakthrough Genomics
Classification: Benign. Review status: criteria provided, single submitter. Criteria: ACMG Guidelines, 2015. Collection method: not provided. Allele origin: germline. Inheritance: Autosomal recessive inheritance. Affected: yes.